The following is an entry in ClinVar:

ClinVar aggregate classification (germline): Pathogenic (1 of 4 stars; one submission).

Conditions:
Familial thoracic aortic aneurysm and aortic dissection (TAAD). Also called: Thoracic aortic aneurysms and dissections. Identifiers: Orphanet 91387, MedGen C4707243, MONDO:0019625.
Marfan syndrome (MFS). Also called: Marfan syndrome type 1; Marfan's syndrome; Marfan syndrome, classic; MARFAN SYNDROME, TYPE I; FBN1-Related Marfan Syndrome. Identifiers: Orphanet 284963, Orphanet 558, MedGen C0024796, MONDO:0007947, OMIM 154700.

Submission:

Labcorp Genetics (formerly Invitae), Labcorp
Classification: Pathogenic for Marfan syndrome; Familial thoracic aortic aneurysm and aortic dissection. Last evaluated: 2020-03-18. Review status: criteria provided, single submitter. Criteria: Invitae Variant Classification Sherloc (09022015). Collection method: clinical testing. Allele origin: germline.
Comment: For these reasons, this variant has been classified as Pathogenic. Loss-of-function variants in FBN1 are known to be pathogenic (PMID: 17657824, 19293843). Algorithms developed to predict the effect of sequence changes on RNA splicing suggest that this variant may create or strengthen a splice site, but this prediction has not been confirmed by published transcriptional studies. This variant has not been reported in the literature in individuals with FBN1-related conditions. This variant is not present in population databases (ExAC no frequency). This sequence change creates a premature translational stop signal (p.Asn2415Lysfs*23) in the FBN1 gene. It is expected to result in an absent or disrupted protein product.

Literature cited by the submitters: PubMed 17657824; PubMed 19293843.

NM_000138.5(FBN1):c.7245del (p.Asn2415fs)

Gene: FBN1 (fibrillin 1; minus strand). Cytogenetic location: 15q21.1.
Variant type: Deletion.
Coding change: c.7245del on transcript NM_000138.5 (MANE Select); coding-DNA position 7245, one base deleted (T; older notation c.7245delT).
Protein change: p.Asn2415fs; shifts the reading frame from asparagine 2415.
Molecular consequence: frameshift variant.
Genome position (GRCh38, 1-based): chr15:48,425,824, A deleted on the plus strand (T on the coding strand, the reverse complement: FBN1 is on the minus strand). VCF-style (leftmost placement, unchanged base first): chr15-48425823-CA-C. GRCh37 (hg19) VCF-style: chr15-48718020-CA-C.
Other names: short protein forms N2415fs.
Identifiers: ClinVar variation 1074611 (VCV001074611.7), dbSNP rs2141227006, ClinGen allele CA2499222965.